The following is an entry in ClinVar:

NM_006231.4(POLE):c.2065C>T (p.Gln689Ter)

Gene: POLE (DNA polymerase epsilon, catalytic subunit; minus strand). Cytogenetic location: 12q24.33.
Variant type: single nucleotide variant.
Coding change: c.2065C>T on transcript NM_006231.4 (MANE Select); coding-DNA position 2065, C replaced by T.
Protein change: p.Gln689Ter; replaces glutamine 689 with a stop codon.
Molecular consequence: nonsense.
Genome position (GRCh38, 1-based): chr12:132,668,464, G>A on the plus strand (C>T on the coding strand, the complement: POLE is on the minus strand). VCF-style: chr12-132668464-G-A. GRCh37 (hg19) VCF-style: chr12-133245050-G-A.
Other names: short protein forms Q689*.
Identifiers: ClinVar variation 1521614 (VCV001521614.11), dbSNP rs2042846526, ClinGen allele CA387354275.

ClinVar aggregate classification (germline): Conflicting classifications of pathogenicity. Review status: criteria provided, conflicting classifications (1 of 4 stars). 3 submissions from 3 submitters: Pathogenic (1); Uncertain significance (2). Last evaluated 2026-04-15.

Allele frequency attached by ClinVar (database versions not stated): gnomAD exomes below 0.00001.
gnomAD v4.1: 1 of 1,610,374 alleles (0.000062%); highest among the groups gnomAD compares: Non-Finnish European, 0.000085%; no homozygotes.

Submissions (3):

Dasa
Classification: Uncertain significance. Last evaluated: 2026-04-15. Review status: criteria provided, single submitter. Criteria: DASA Assertion Criteria. Collection method: clinical testing. Allele origin: germline.
Comment: NM_006231.4(POLE):c.2065C>T (p.Gln689*) is a nonsense variant in POLE predicted to introduce a premature termination codon. Published studies describe this variant in association with related phenotype (PMID: 23230001; PMID: 32792570). Also, this variant is rare in population databases. The currently available literature and clinical evidence are not sufficient to establish a definitive association between this variant and the reported condition. Therefore, this variant is classified as a variant of uncertain significance.

Labcorp Genetics (formerly Invitae), Labcorp
Classification: Pathogenic. Last evaluated: 2025-05-05. Review status: criteria provided, single submitter. Criteria: Invitae Variant Classification Sherloc (09022015). Collection method: clinical testing. Allele origin: germline.
Comment: This sequence change creates a premature translational stop signal (p.Gln689*) in the POLE gene. It is expected to result in an absent or disrupted protein product. Loss-of-function variants in POLE are known to be pathogenic (PMID: 23230001, 25948378, 30503519). This variant is not present in population databases (gnomAD no frequency). This variant has not been reported in the literature in individuals affected with POLE-related conditions. ClinVar contains an entry for this variant (Variation ID: 1521614). For these reasons, this variant has been classified as Pathogenic.

Mendelics
Classification: Uncertain significance. Last evaluated: 2022-05-04. Review status: criteria provided, single submitter. Criteria: Mendelics Assertion Criteria 2019. Collection method: clinical testing. Allele origin: germline.

Literature cited by the submitters: PubMed 23230001 (cited by Dasa and Labcorp Genetics (formerly Invitae), Labcorp); PubMed 32792570 (cited by Dasa); PubMed 25948378 (cited by Labcorp Genetics (formerly Invitae), Labcorp); PubMed 30503519 (cited by Labcorp Genetics (formerly Invitae), Labcorp).